The following is an entry in ClinVar:

ClinVar aggregate classification (germline): Benign. Review status: criteria provided, multiple submitters, no conflicts (2 of 4 stars). 4 submissions from 2 submitters: Benign (4). Last evaluated 2018-01-12.

Conditions:
Insulin-resistant diabetes mellitus AND acanthosis nigricans. Also called: Insulin-resistance syndrome type A; INSULIN RECEPTOR, DEFECT IN, WITH INSULIN-RESISTANT DIABETES MELLITUS AND ACANTHOSIS NIGRICANS; IRAN, TYPE A; type A insulin resistance; DIABETES MELLITUS, INSULIN-RESISTANT, WITH ACANTHOSIS NIGRICANS, TYPE A. Identifiers: Orphanet 2297, MedGen C0342278, MONDO:0012520, OMIM 610549.
Rabson-Mendenhall syndrome. Also called: MENDENHALL SYNDROME; Pineal Hyperplasia, Insulin-Resistant Diabetes Mellitus, and Somatic Abnormalities; Pineal hyperplasia AND diabetes mellitus syndrome. Identifiers: Orphanet 769, MedGen C0271695, MONDO:0009874, OMIM 262190.
Leprechaunism syndrome. Also called: Donohue syndrome; LEPRECHAUNISM. Identifiers: Orphanet 508, MedGen C0265344, MONDO:0009517, OMIM 246200.

Allele frequency attached by ClinVar (database versions not stated): 1000 Genomes Project 30x 0.00953; 1000 Genomes Project 0.00978; TOPMed 0.01887; gnomAD 0.01961 and 0.02007; gnomAD exomes 0.02310.
gnomAD v4.1: 11,362 of 514,400 alleles (2.2%); highest among the groups gnomAD compares: Middle Eastern, 3.7%; 186 homozygotes.

Submissions (4):

Illumina Laboratory Services, Illumina
Classification: Benign for Rabson-Mendenhall syndrome. Last evaluated: 2018-01-12. Review status: criteria provided, single submitter. Criteria: ICSL Variant Classification Criteria 13 December 2019. Collection method: clinical testing. Allele origin: germline.
Comment: This variant was observed in the ICSL laboratory as part of a predisposition screen in an ostensibly healthy population. It had not been previously curated by ICSL or reported in the Human Gene Mutation Database (HGMD: prior to June 1st, 2018), and was therefore a candidate for classification through an automated scoring system. Utilizing variant allele frequency, disease prevalence and penetrance estimates, and inheritance mode, an automated score was calculated to assess if this variant is too frequent to cause the disease. Based on the score and internal cut-off values, a variant classified as benign is not then subjected to further curation. The score for this variant resulted in a classification of benign for this disease.

Illumina Laboratory Services, Illumina
Classification: Benign for Leprechaunism syndrome. Last evaluated: 2018-01-12. Review status: criteria provided, single submitter. Criteria: ICSL Variant Classification Criteria 13 December 2019. Collection method: clinical testing. Allele origin: germline.
Comment: the same text as in the submission from Illumina Laboratory Services, Illumina above.

Illumina Laboratory Services, Illumina
Classification: Benign for Insulin-resistant diabetes mellitus AND acanthosis nigricans. Last evaluated: 2018-01-12. Review status: criteria provided, single submitter. Criteria: ICSL Variant Classification Criteria 13 December 2019. Collection method: clinical testing. Allele origin: germline.
Comment: the same text as in the submission from Illumina Laboratory Services, Illumina above.

Breakthrough Genomics
Classification: Benign. Review status: criteria provided, single submitter. Criteria: ACMG Guidelines, 2015. Collection method: not provided. Allele origin: germline. Inheritance: Autosomal recessive inheritance. Affected: yes.

NM_000208.4(INSR):c.*224C>T

Gene: INSR (insulin receptor; minus strand). Cytogenetic location: 19p13.2.
Variant type: single nucleotide variant.
Coding change: c.*224C>T on transcript NM_000208.4 (MANE Select); 224 bases downstream of the stop codon, C replaced by T.
Molecular consequence: 3 prime UTR variant.
Genome position (GRCh38, 1-based): chr19:7,116,832, G>A on the plus strand (C>T on the coding strand, the complement: INSR is on the minus strand). VCF-style: chr19-7116832-G-A. GRCh37 (hg19) VCF-style: chr19-7116843-G-A.
Other names: c.*224C>T (NM_001079817.3).
Identifiers: ClinVar variation 330435 (VCV000330435.6), dbSNP rs2860171, ClinGen allele CA10652307.